The following is an entry in ClinVar:

ClinVar aggregate classification (germline): Likely benign. Review status: criteria provided, multiple submitters, no conflicts (2 of 4 stars). 5 submissions from 5 submitters: Likely benign (4). 1 of the submissions does not count toward it. Last evaluated 2026-06-01.

Conditions:
COL18A1-related disorder. Also called: COL18A1-related disorders; COL18A1-related condition.

Allele frequency attached by ClinVar (database versions not stated): gnomAD 0.00007; gnomAD exomes 0.00010 and 0.00073; 1000 Genomes Project 0.00020; TOPMed 0.00029; 1000 Genomes Project 30x 0.00031; ExAC 0.00032.
gnomAD v4.1: 154 of 1,510,772 alleles (0.01%); highest among the groups gnomAD compares: Admixed American, 0.23%; 2 homozygotes.

Submissions (5):

CeGaT Center for Human Genetics Tuebingen
Classification: Likely benign. Last evaluated: 2026-06-01. Review status: criteria provided, single submitter. Criteria: CeGaT Center For Human Genetics Tuebingen Variant Classification Criteria Version 2. Collection method: clinical testing. Allele origin: germline. Affected: yes. Observed: 2 variant alleles.
Comment: COL18A1: BP4, BS2

Labcorp Genetics (formerly Invitae), Labcorp
Classification: Likely benign. Last evaluated: 2026-02-01. Review status: criteria provided, single submitter. Criteria: Invitae Variant Classification Sherloc (09022015). Collection method: clinical testing. Allele origin: germline.

Women's Health and Genetics/Laboratory Corporation of America, LabCorp
Classification: Likely benign. Last evaluated: 2024-05-29. Review status: criteria provided, single submitter. Criteria: LabCorp Variant Classification Summary - May 2015. Collection method: clinical testing. Allele origin: germline.
Comment: Variant summary: COL18A1 c.3479G>A (p.Arg1160His) results in a non-conservative amino acid change in the encoded protein sequence. Five of five in-silico tools predict a benign effect of the variant on protein function. The variant allele was found at a frequency of 0.00073 in 132332 control chromosomes, predominantly at a frequency of 0.0038 within the Latino subpopulation in the gnomAD database, including 1 homozygotes. The observed variant frequency within Latino control individuals in the gnomAD database exceeds the estimated maximal expected allele frequency for a pathogenic variant in COL18A1 causing Knobloch Syndrome 1 phenotype. To our knowledge, no occurrence of c.3479G>A in individuals affected with Knobloch Syndrome 1 and no experimental evidence demonstrating its impact on protein function have been reported. ClinVar contains an entry for this variant (Variation ID: 1580101). Based on the evidence outlined above, the variant was classified as likely benign.

Blueprint Genetics
Classification: Likely benign. Last evaluated: 2023-07-04. Review status: criteria provided, single submitter. Criteria: ACMG Guidelines, 2015. Collection method: clinical testing. Allele origin: germline.

PreventionGenetics, part of Exact Sciences
Classification: Likely benign for COL18A1-related condition. Last evaluated: 2022-08-19. Review status: no assertion criteria provided. Collection method: clinical testing. Allele origin: germline. Not counted in ClinVar's aggregate classification.
Comment: This variant is classified as likely benign based on ACMG/AMP sequence variant interpretation guidelines (Richards et al. 2015 PMID: 25741868, with internal and published modifications).

NM_001379500.1(COL18A1):c.3479G>A (p.Arg1160His)

Genes: COL18A1 (collagen type XVIII alpha 1 chain; plus strand), SLC19A1 (solute carrier family 19 member 1; minus strand). Cytogenetic location: 21q22.3.
Variant type: single nucleotide variant.
Coding change: c.3479G>A on transcript NM_001379500.1 (MANE Select); coding-DNA position 3479, G replaced by A.
Protein change: p.Arg1160His; replaces arginine 1160 with histidine.
Molecular consequence: missense variant.
Genome position (GRCh38, 1-based): chr21:45,509,585, G>A. VCF-style: chr21-45509585-G-A. GRCh37 (hg19) VCF-style: chr21-46929499-G-A.
Other names: c.4010G>A, p.Arg1337His (NM_030582.4); c.4715G>A, p.Arg1572His (NM_130444.3); c.4010G>A (NM_030582.3); short protein forms R1160H, R1337H, R1572H.
Identifiers: ClinVar variation 1580101 (VCV001580101.18), dbSNP rs565489112, ClinGen allele CA10067901.